The following is an entry in ClinVar:

NM_000271.5(NPC1):c.1339C>T (p.Gln447Ter)

Gene: NPC1 (NPC intracellular cholesterol transporter 1; minus strand). Cytogenetic location: 18q11.2.
Variant type: single nucleotide variant.
Coding change: c.1339C>T on transcript NM_000271.5 (MANE Select); coding-DNA position 1339, C replaced by T.
Protein change: p.Gln447Ter; replaces glutamine 447 with a stop codon.
Molecular consequence: nonsense.
Genome position (GRCh38, 1-based): chr18:23,554,972, G>A on the plus strand (C>T on the coding strand, the complement: NPC1 is on the minus strand). VCF-style: chr18-23554972-G-A. GRCh37 (hg19) VCF-style: chr18-21134936-G-A.
Other names: short protein forms Q447*.
Identifiers: ClinVar variation 371192 (VCV000371192.10), dbSNP rs1057517077, ClinGen allele CA16041916.

ClinVar aggregate classification (germline): Pathogenic. Review status: criteria provided, single submitter (1 of 4 stars). 2 submissions from 2 submitters: Pathogenic (1). 1 of the submissions does not count toward it. Last evaluated 2022-09-06.

Conditions:
Niemann-Pick disease, type C1. Also called: NEUROVISCERAL STORAGE DISEASE WITH VERTICAL SUPRANUCLEAR OPHTHALMOPLEGIA; NIEMANN-PICK DISEASE WITH CHOLESTEROL ESTERIFICATION BLOCK; NIEMANN-PICK DISEASE WITHOUT SPHINGOMYELINASE DEFICIENCY; NIEMANN-PICK DISEASE, CHRONIC NEURONOPATHIC FORM; NIEMANN-PICK DISEASE, VARIANT TYPE C1. Identifiers: Orphanet 646, MedGen C3179455, MONDO:0009757, OMIM 257220.

Allele frequency attached by ClinVar (database versions not stated): gnomAD exomes below 0.00001.
gnomAD v4.1: 5 of 1,609,998 alleles (0.00031%); highest among the groups gnomAD compares: Non-Finnish European, 0.00043%; no homozygotes.

Submissions (2):

Labcorp Genetics (formerly Invitae), Labcorp
Classification: Pathogenic for Niemann-Pick disease, type C1. Last evaluated: 2022-09-06. Review status: criteria provided, single submitter. Criteria: Invitae Variant Classification Sherloc (09022015). Collection method: clinical testing. Allele origin: germline.
Comment: For these reasons, this variant has been classified as Pathogenic. ClinVar contains an entry for this variant (Variation ID: 371192). This premature translational stop signal has been observed in individual(s) with Niemann-Pick disease type C (PMID: 19252935). This variant is present in population databases (no rsID available, gnomAD 0.0009%). This sequence change creates a premature translational stop signal (p.Gln447*) in the NPC1 gene. It is expected to result in an absent or disrupted protein product. Loss-of-function variants in NPC1 are known to be pathogenic (PMID: 9211850).

Counsyl
Classification: Likely pathogenic for Niemann-Pick disease, type C1. Last evaluated: 2016-07-22. Review status: no assertion criteria provided. Collection method: clinical testing. Allele origin: unknown. Not counted in ClinVar's aggregate classification.

Literature cited by the submitters: PubMed 19252935 (cited by Labcorp Genetics (formerly Invitae), Labcorp and Counsyl); PubMed 9211850 (cited by Labcorp Genetics (formerly Invitae), Labcorp).